The following is an entry in ClinVar:

NM_001061.7(TBXAS1):c.1112T>C (p.Val371Ala)

Gene: TBXAS1 (thromboxane A synthase 1; plus strand). Cytogenetic location: 7q34.
Variant type: single nucleotide variant.
Coding change: c.1112T>C on transcript NM_001061.7 (MANE Select); coding-DNA position 1112, T replaced by C.
Protein change: p.Val371Ala; replaces valine 371 with alanine.
Molecular consequence: missense variant.
Genome position (GRCh38, 1-based): chr7:139,962,211, T>C. VCF-style: chr7-139962211-T-C. GRCh37 (hg19) VCF-style: chr7-139662010-T-C.
Other names: c.1112T>C, p.Val371Ala (NM_001130966.5, NM_030984.6); c.1250T>C, p.Val417Ala (NM_001166253.4); c.911T>C, p.Val304Ala (NM_001166254.4); c.1055T>C, p.Val352Ala (NM_001314028.4); c.929T>C, p.Val310Ala (NM_001366537.3); short protein forms V352A, V371A, V372A, V418A, V304A, V417A, V310A.
Identifiers: ClinVar variation 2061117 (VCV002061117.1), dbSNP rs748027473, ClinGen allele CA4511883.

ClinVar aggregate classification (germline): Uncertain significance (1 of 4 stars; one submission).

Allele frequency attached by ClinVar (database versions not stated): gnomAD exomes 0.00001; gnomAD 0.00002; ExAC 0.00003.
gnomAD v4.1: 22 of 1,614,060 alleles (0.0014%); highest among the groups gnomAD compares: Admixed American, 0.01%; no homozygotes.

Submission:

Labcorp Genetics (formerly Invitae), Labcorp
Classification: Uncertain significance. Last evaluated: 2022-05-27. Review status: criteria provided, single submitter. Criteria: Invitae Variant Classification Sherloc (09022015). Collection method: clinical testing. Allele origin: germline.
Comment: This sequence change replaces valine, which is neutral and non-polar, with alanine, which is neutral and non-polar, at codon 372 of the TBXAS1 protein (p.Val372Ala). This variant is present in population databases (rs748027473, gnomAD 0.01%). This variant has not been reported in the literature in individuals affected with TBXAS1-related conditions. Algorithms developed to predict the effect of missense changes on protein structure and function (SIFT, PolyPhen-2, Align-GVGD) all suggest that this variant is likely to be disruptive. In summary, the available evidence is currently insufficient to determine the role of this variant in disease. Therefore, it has been classified as a Variant of Uncertain Significance.